The following is an entry in ClinVar:

ClinVar aggregate classification (germline): Likely benign (1 of 4 stars; one submission).

Conditions:
PIEZO1-related disorder. Also called: PIEZO1-related condition; PIEZO1-Related Disorders.

gnomAD v4.1: 9 of 1,535,554 alleles (0.00059%); highest among the groups gnomAD compares: African/African-American, 0.0096%; no homozygotes.

Submission:

PreventionGenetics, part of Exact Sciences
Classification: Likely benign for PIEZO1-related condition. Last evaluated: 2025-03-11. Review status: criteria provided, single submitter. Criteria: ACMG Guidelines, 2015. Collection method: clinical testing. Allele origin: germline.
Comment: This variant is classified as likely benign based on ACMG/AMP sequence variant interpretation guidelines (Richards et al. 2015 PMID: 25741868, with internal and published modifications).

NM_001142864.4(PIEZO1):c.591G>A (p.Val197=)

Genes: HSALR1 (HSP90AB1 associated lncRNA 1; plus strand), PIEZO1 (piezo type mechanosensitive ion channel component 1 (Er blood group); minus strand). Cytogenetic location: 16q24.3.
Variant type: single nucleotide variant.
Coding change: c.591G>A on transcript NM_001142864.4 (MANE Select); coding-DNA position 591, G replaced by A.
Protein change: p.Val197=; no amino-acid change (valine 197 retained).
Molecular consequence: synonymous variant. On other transcripts: non-coding transcript variant (1).
Genome position (GRCh38, 1-based): chr16:88,738,611, C>T on the plus strand (G>A on the coding strand, the complement: PIEZO1 is on the minus strand). VCF-style: chr16-88738611-C-T. GRCh37 (hg19) VCF-style: chr16-88805019-C-T.
Identifiers: ClinVar variation 4988537 (VCV004988537.1).